The following is an entry in ClinVar:

ClinVar aggregate classification (germline): Uncertain significance. Review status: criteria provided, multiple submitters, no conflicts (2 of 4 stars). 2 submissions from 2 submitters: Uncertain significance (2). Last evaluated 2025-08-31.

Conditions:
Inborn genetic diseases. Identifiers: MedGen C0950123, MeSH D030342.

Allele frequency attached by ClinVar (database versions not stated): gnomAD 0.00001; TOPMed 0.00001; ExAC 0.00002; gnomAD exomes 0.00002.
gnomAD v4.1: 27 of 1,613,740 alleles (0.0017%); highest among the groups gnomAD compares: Non-Finnish European, 0.0023%; no homozygotes.

Submissions (2):

Ambry Genetics
Classification: Uncertain significance for Inborn genetic diseases. Last evaluated: 2025-08-31. Review status: criteria provided, single submitter. Criteria: Ambry Variant Classification Scheme 2023. Collection method: clinical testing. Allele origin: germline.

Labcorp Genetics (formerly Invitae), Labcorp
Classification: Uncertain significance. Last evaluated: 2021-09-24. Review status: criteria provided, single submitter. Criteria: Invitae Variant Classification Sherloc (09022015). Collection method: clinical testing. Allele origin: germline.
Comment: This sequence change replaces arginine with methionine at codon 1876 of the SPEG protein (p.Arg1876Met). The arginine residue is highly conserved and there is a moderate physicochemical difference between arginine and methionine. This variant is present in population databases (rs751828739, ExAC 0.003%). This variant has not been reported in the literature in individuals with SPEG-related conditions. Algorithms developed to predict the effect of missense changes on protein structure and function are either unavailable or do not agree on the potential impact of this missense change (SIFT: "Deleterious"; PolyPhen-2: "Probably Damaging"; Align-GVGD: "Class C0"). In summary, the available evidence is currently insufficient to determine the role of this variant in disease. Therefore, it has been classified as a Variant of Uncertain Significance.

NM_005876.5(SPEG):c.5627G>T (p.Arg1876Met)

Genes: ASIC4-AS1 (ASIC4 antisense RNA 1; minus strand), SPEG (striated muscle enriched protein kinase; plus strand). Cytogenetic location: 2q35.
Variant type: single nucleotide variant.
Coding change: c.5627G>T on transcript NM_005876.5 (MANE Select); coding-DNA position 5627, G replaced by T.
Protein change: p.Arg1876Met; replaces arginine 1876 with methionine.
Molecular consequence: missense variant.
Genome position (GRCh38, 1-based): chr2:219,482,845, G>T. VCF-style: chr2-219482845-G-T. GRCh37 (hg19) VCF-style: chr2-220347567-G-T.
Other names: c.5627G>T (NM_005876.4); short protein forms R1876M.
Identifiers: ClinVar variation 1428087 (VCV001428087.6), dbSNP rs751828739, ClinGen allele CA2126896.